The following is an entry in ClinVar:

ClinVar aggregate classification (germline): Uncertain significance (1 of 4 stars; one submission).

Conditions:
Cardiovascular phenotype. Identifiers: MedGen CN230736.
Hereditary cancer-predisposing syndrome. Also called: Tumor predisposition; Neoplastic Syndromes, Hereditary; Hereditary neoplastic syndrome; Hereditary Cancer Syndrome. Identifiers: Orphanet 140162, MedGen C0027672, MeSH D009386, MONDO:0015356.

Submission:

Ambry Genetics
Classification: Uncertain significance for Cardiovascular phenotype; Hereditary cancer-predisposing syndrome. Last evaluated: 2025-07-07. Review status: criteria provided, single submitter. Criteria: Ambry Variant Classification Scheme 2023. Collection method: clinical testing. Allele origin: germline.
Comment: The p.I708T variant (also known as c.2123T>C), located in coding exon 18 of the LZTR1 gene, results from a T to C substitution at nucleotide position 2123. The isoleucine at codon 708 is replaced by threonine, an amino acid with similar properties. This amino acid position is conserved. In addition, this alteration is predicted to be deleterious by in silico analysis. Based on the available evidence, the clinical significance of this variant remains unclear.

NM_006767.4(LZTR1):c.2123T>C (p.Ile708Thr)

Gene: LZTR1 (leucine zipper like post translational regulator 1; plus strand). Cytogenetic location: 22q11.21.
Variant type: single nucleotide variant.
Coding change: c.2123T>C on transcript NM_006767.4 (MANE Select); coding-DNA position 2123, T replaced by C.
Protein change: p.Ile708Thr; replaces isoleucine 708 with threonine.
Molecular consequence: missense variant.
Genome position (GRCh38, 1-based): chr22:20,996,016, T>C. VCF-style: chr22-20996016-T-C. GRCh37 (hg19) VCF-style: chr22-21350305-T-C.
Other names: short protein forms I708T.
Identifiers: ClinVar variation 4101890 (VCV004101890.1).